The following is an entry in ClinVar:

NM_015057.5(MYCBP2):c.13727G>C (p.Gly4576Ala)

Gene: MYCBP2 (MYC binding protein 2; minus strand). Cytogenetic location: 13q22.3.
Variant type: single nucleotide variant.
Coding change: c.13727G>C on transcript NM_015057.5 (MANE Select); coding-DNA position 13727, G replaced by C.
Protein change: p.Gly4576Ala; replaces glycine 4576 with alanine.
Molecular consequence: missense variant.
Genome position (GRCh38, 1-based): chr13:77,051,839, C>G on the plus strand (G>C on the coding strand, the complement: MYCBP2 is on the minus strand). VCF-style: chr13-77051839-C-G. GRCh37 (hg19) VCF-style: chr13-77625974-C-G.
Other names: short protein forms G4576A.
Identifiers: ClinVar variation 4536201 (VCV004536201.1).

ClinVar aggregate classification (germline): Uncertain significance (1 of 4 stars; one submission).

Submission:

GeneDx
Classification: Uncertain significance. Last evaluated: 2025-06-05. Review status: criteria provided, single submitter. Criteria: GeneDx Variant Classification Process June 2021. Collection method: clinical testing. Allele origin: germline. Affected: yes.
Comment: Not observed at significant frequency in large population cohorts (gnomAD); In silico analysis supports that this missense variant has a deleterious effect on protein structure/function; Has not been previously published as pathogenic or benign to our knowledge